The following is an entry in ClinVar:

ClinVar aggregate classification (germline): Uncertain significance. Review status: criteria provided, multiple submitters, no conflicts (2 of 4 stars). 2 submissions from 2 submitters: Uncertain significance (2). Last evaluated 2024-03-27.

Conditions:
Inborn genetic diseases. Identifiers: MedGen C0950123, MeSH D030342.

gnomAD v4.1: 1 of 1,614,062 alleles (0.000062%); highest among the groups gnomAD compares: Non-Finnish European, 0.000085%; no homozygotes.

Submissions (2):

Ambry Genetics
Classification: Uncertain significance for Inborn genetic diseases. Last evaluated: 2024-03-27. Review status: criteria provided, single submitter. Criteria: Ambry Variant Classification Scheme 2023. Collection method: clinical testing. Allele origin: germline.
Comment: The p.P499R variant (also known as c.1496C>G), located in coding exon 10 of the CDH2 gene, results from a C to G substitution at nucleotide position 1496. The proline at codon 499 is replaced by arginine, an amino acid with dissimilar properties. This amino acid position is conserved. In addition, this alteration is predicted to be deleterious by in silico analysis. Based on the available evidence, the clinical significance of this alteration remains unclear.

Labcorp Genetics (formerly Invitae), Labcorp
Classification: Uncertain significance. Last evaluated: 2024-02-13. Review status: criteria provided, single submitter. Criteria: Invitae Variant Classification Sherloc (09022015). Collection method: clinical testing. Allele origin: germline.
Comment: This sequence change replaces proline, which is neutral and non-polar, with arginine, which is basic and polar, at codon 499 of the CDH2 protein (p.Pro499Arg). This variant is not present in population databases (gnomAD no frequency). This variant has not been reported in the literature in individuals affected with CDH2-related conditions. An algorithm developed to predict the effect of missense changes on protein structure and function (PolyPhen-2) suggests that this variant is likely to be disruptive. In summary, the available evidence is currently insufficient to determine the role of this variant in disease. Therefore, it has been classified as a Variant of Uncertain Significance.

NM_001792.5(CDH2):c.1496C>G (p.Pro499Arg)

Gene: CDH2 (cadherin 2; minus strand). Cytogenetic location: 18q12.1.
Variant type: single nucleotide variant.
Coding change: c.1496C>G on transcript NM_001792.5 (MANE Select); coding-DNA position 1496, C replaced by G.
Protein change: p.Pro499Arg; replaces proline 499 with arginine.
Molecular consequence: missense variant.
Genome position (GRCh38, 1-based): chr18:27,990,199, G>C on the plus strand (C>G on the coding strand, the complement: CDH2 is on the minus strand). VCF-style: chr18-27990199-G-C. GRCh37 (hg19) VCF-style: chr18-25570163-G-C.
Other names: c.1496C>G (NM_001792.3); c.1403C>G, p.Pro468Arg (NM_001308176.2); short protein forms P499R, P468R.
Identifiers: ClinVar variation 2824111 (VCV002824111.4), dbSNP rs1272545722, ClinGen allele CA402109109.